The following is an entry in ClinVar:

ClinVar aggregate classification (germline): Uncertain significance (1 of 4 stars; one submission).

Submission:

Labcorp Genetics (formerly Invitae), Labcorp
Classification: Uncertain significance. Last evaluated: 2024-03-12. Review status: criteria provided, single submitter. Criteria: Invitae Variant Classification Sherloc (09022015). Collection method: clinical testing. Allele origin: germline.
Comment: This sequence change replaces serine, which is neutral and polar, with arginine, which is basic and polar, at codon 1501 of the KIDINS220 protein (p.Ser1501Arg). This variant is not present in population databases (gnomAD no frequency). This variant has not been reported in the literature in individuals affected with KIDINS220-related conditions. An algorithm developed to predict the effect of missense changes on protein structure and function (PolyPhen-2) suggests that this variant is likely to be disruptive. In summary, the available evidence is currently insufficient to determine the role of this variant in disease. Therefore, it has been classified as a Variant of Uncertain Significance.

NM_020738.4(KIDINS220):c.4503C>G (p.Ser1501Arg)

Gene: KIDINS220 (kinase D interacting substrate 220; minus strand). Cytogenetic location: 2p25.1.
Variant type: single nucleotide variant.
Coding change: c.4503C>G on transcript NM_020738.4 (MANE Select); coding-DNA position 4503, C replaced by G.
Protein change: p.Ser1501Arg; replaces serine 1501 with arginine.
Molecular consequence: missense variant. On other transcripts: intron variant (6).
Genome position (GRCh38, 1-based): chr2:8,731,533, G>C on the plus strand (C>G on the coding strand, the complement: KIDINS220 is on the minus strand). VCF-style: chr2-8731533-G-C. GRCh37 (hg19) VCF-style: chr2-8871663-G-C.
Other names: c.4335C>G, p.Ser1445Arg (NM_001348734.2); c.4332C>G, p.Ser1444Arg (NM_001348735.2); c.4206C>G, p.Ser1402Arg (NM_001348736.2); c.3882+1911C>G (NM_001348741.2, NM_001348742.2, NM_001348743.2); c.3996+1911C>G (NM_001348738.2); c.3885+1911C>G (NM_001348739.2, NM_001348740.2); c.4506C>G, p.Ser1502Arg (NM_001348729.2); c.4449C>G, p.Ser1483Arg (NM_001348731.2); and 1 more; short protein forms S1402R, S1444R, S1501R, S1483R, S1502R, S1445R, S1482R.
Identifiers: ClinVar variation 3695888 (VCV003695888.2).